The following is an entry in ClinVar:

ClinVar aggregate classification (germline): Likely benign. Review status: criteria provided, multiple submitters, no conflicts (2 of 4 stars). 3 submissions from 3 submitters: Likely benign (2). 1 of the submissions does not count toward it. Last evaluated 2025-06-22.

Conditions:
OPA1-related disorder. Also called: OPA1-related disorders; OPA1-related condition.

Allele frequency attached by ClinVar (database versions not stated): ExAC 0.00002; gnomAD exomes 0.00002 and 0.00004; gnomAD 0.00004; TOPMed 0.00011.
gnomAD v4.1: 31 of 1,598,996 alleles (0.0019%); highest among the groups gnomAD compares: Admixed American, 0.017%; no homozygotes.

Submissions (3):

Labcorp Genetics (formerly Invitae), Labcorp
Classification: Likely benign. Last evaluated: 2025-06-22. Review status: criteria provided, single submitter. Criteria: Invitae Variant Classification Sherloc (09022015). Collection method: clinical testing. Allele origin: germline.

Blueprint Genetics
Classification: Likely benign. Last evaluated: 2020-03-17. Review status: criteria provided, single submitter. Criteria: ACMG Guidelines, 2015. Collection method: clinical testing. Allele origin: germline.

PreventionGenetics, part of Exact Sciences
Classification: Likely benign for OPA1-related condition. Last evaluated: 2023-12-12. Review status: no assertion criteria provided. Collection method: clinical testing. Allele origin: germline. Not counted in ClinVar's aggregate classification.
Comment: This variant is classified as likely benign based on ACMG/AMP sequence variant interpretation guidelines (Richards et al. 2015 PMID: 25741868, with internal and published modifications).

NM_130837.3(OPA1):c.1944A>G (p.Leu648=)

Gene: OPA1 (OPA1 mitochondrial dynamin like GTPase; plus strand). Cytogenetic location: 3q29.
Variant type: single nucleotide variant.
Coding change: c.1944A>G on transcript NM_130837.3 (MANE Select); coding-DNA position 1944, A replaced by G.
Protein change: p.Leu648=; no amino-acid change (leucine 648 retained).
Molecular consequence: synonymous variant.
Genome position (GRCh38, 1-based): chr3:193,648,803, A>G. VCF-style: chr3-193648803-A-G. GRCh37 (hg19) VCF-style: chr3-193366592-A-G.
Other names: c.1410A>G, p.Leu470= (NM_001354663.2); c.1407A>G, p.Leu469= (NM_001354664.2); c.1779A>G, p.Leu593= (NM_015560.3); c.1671A>G, p.Leu557= (NM_130831.3); c.1725A>G, p.Leu575= (NM_130832.3); c.1782A>G, p.Leu594= (NM_130833.3); c.1833A>G, p.Leu611= (NM_130834.3); c.1836A>G, p.Leu612= (NM_130835.3); and 2 more.
Identifiers: ClinVar variation 1624574 (VCV001624574.11), dbSNP rs781571640, ClinGen allele CA2759547.